The following is an entry in ClinVar:

ClinVar aggregate classification (germline): Benign/Likely benign. Review status: criteria provided, multiple submitters, no conflicts (2 of 4 stars). 4 submissions from 4 submitters: Benign (2); Likely benign (1). 1 of the submissions does not count toward it. Last evaluated 2026-01-04.

Conditions:
RINT1-related disorder. Also called: RINT1-related condition.

Allele frequency attached by ClinVar (database versions not stated): gnomAD exomes 0.00059 and 0.00145; ExAC 0.00180; gnomAD 0.00563 and 0.00603; 1000 Genomes Project 30x 0.00578; 1000 Genomes Project 0.00599; ESP Exome Variant Server 0.00607; TOPMed 0.00619.
gnomAD v4.1: 1,732 of 1,614,158 alleles (0.11%); highest among the groups gnomAD compares: African/African-American, 2.1%; 14 homozygotes.

Submissions (4):

Labcorp Genetics (formerly Invitae), Labcorp
Classification: Benign. Last evaluated: 2026-01-04. Review status: criteria provided, single submitter. Criteria: Invitae Variant Classification Sherloc (09022015). Collection method: clinical testing. Allele origin: germline.

Ambry Genetics
Classification: Likely benign. Last evaluated: 2020-08-12. Review status: criteria provided, single submitter. Criteria: Ambry Variant Classification Scheme 2023. Collection method: clinical testing. Allele origin: germline.

Breakthrough Genomics
Classification: Benign. Review status: criteria provided, single submitter. Criteria: ACMG Guidelines, 2015. Collection method: not provided. Allele origin: germline. Inheritance: Autosomal recessive inheritance. Affected: yes.

PreventionGenetics, part of Exact Sciences
Classification: Benign for RINT1-related condition. Last evaluated: 2019-03-04. Review status: no assertion criteria provided. Collection method: clinical testing. Allele origin: germline. Not counted in ClinVar's aggregate classification.
Comment: This variant is classified as benign based on ACMG/AMP sequence variant interpretation guidelines (Richards et al. 2015 PMID: 25741868, with internal and published modifications).

NM_021930.6(RINT1):c.732C>T (p.Ile244=)

Gene: RINT1 (RAD50 interactor 1; plus strand). Cytogenetic location: 7q22.3.
Variant type: single nucleotide variant.
Coding change: c.732C>T on transcript NM_021930.6 (MANE Select); coding-DNA position 732, C replaced by T.
Protein change: p.Ile244=; no amino-acid change (isoleucine 244 retained).
Molecular consequence: synonymous variant. On other transcripts: 5 prime UTR variant (2), non-coding transcript variant (1), intron variant (1).
Genome position (GRCh38, 1-based): chr7:105,547,226, C>T. VCF-style: chr7-105547226-C-T. GRCh37 (hg19) VCF-style: chr7-105187673-C-T.
Other names: c.498C>T, p.Ile166= (NM_001346599.2); c.-288C>T (NM_001346600.2); c.-191C>T (NM_001346601.2); c.-27-2829C>T (NM_001346603.2); c.732C>T (NM_021930.5).
Identifiers: ClinVar variation 241414 (VCV000241414.18), dbSNP rs148050825, ClinGen allele CA4426512.